The following is an entry in ClinVar:

ClinVar aggregate classification (germline): Pathogenic (1 of 4 stars; one submission).

Submission:

GeneDx
Classification: Pathogenic. Last evaluated: 2018-05-11. Review status: criteria provided, single submitter. Criteria: GeneDx Variant Classification (06012015). Collection method: clinical testing. Allele origin: germline. Affected: yes.
Comment: The Y160X nonsense variant in the ALDH3A2 gene is predicted to cause loss of normal protein function either through protein truncation or nonsense-mediated mRNA decay. Y160X is not observed in large population cohorts (Lek et al., 2016). Although this variant has not been reported previously to our knowledge, we interpret it as pathogenic.

NM_000382.3(ALDH3A2):c.480T>G (p.Tyr160Ter)

Gene: ALDH3A2 (aldehyde dehydrogenase 3 family member A2; plus strand). Cytogenetic location: 17p11.2.
Variant type: single nucleotide variant.
Coding change: c.480T>G on transcript NM_000382.3 (MANE Select); coding-DNA position 480, T replaced by G.
Protein change: p.Tyr160Ter; replaces tyrosine 160 with a stop codon.
Molecular consequence: nonsense. On other transcripts: 5 prime UTR variant (1).
Genome position (GRCh38, 1-based): chr17:19,656,374, T>G. VCF-style: chr17-19656374-T-G. GRCh37 (hg19) VCF-style: chr17-19559687-T-G.
Other names: c.480T>G, p.Tyr160Ter (NM_001031806.2, NM_001369136.1, NM_001369137.2 and 3 more transcripts); c.-100T>G (NM_001369148.2); short protein forms Y160*.
Identifiers: ClinVar variation 545956 (VCV000545956.2), dbSNP rs1555533541, ClinGen allele CA398705877.